The following is an entry in ClinVar:

ClinVar aggregate classification (germline): Uncertain significance. Review status: criteria provided, multiple submitters, no conflicts (2 of 4 stars). 3 submissions from 3 submitters: Uncertain significance (3). Last evaluated 2026-09-11.

Conditions:
NPHP4-related disorder. Also called: NPHP4-related disorders; NPHP4-related condition. Identifiers: MedGen CN239384.
Nephronophthisis. Also called: Juvenile Nephronophthisis. Identifiers: Orphanet 655, MedGen C0687120, MONDO:0019005, HP:0000090.

Allele frequency attached by ClinVar (database versions not stated): gnomAD exomes below 0.00001 and 0.00003; ExAC 0.00001.
gnomAD v4.1: 41 of 1,613,834 alleles (0.0025%); highest among the groups gnomAD compares: Non-Finnish European, 0.0034%; no homozygotes.

Submissions (3):

PreventionGenetics, part of Exact Sciences
Classification: Uncertain significance for NPHP4-related condition. Last evaluated: 2026-09-11. Review status: criteria provided, single submitter. Criteria: ACMG Guidelines, 2015. Collection method: clinical testing. Allele origin: germline.
Comment: The NPHP4 c.1017G>C variant is predicted to result in the amino acid substitution p.Leu339Phe. To our knowledge, this variant has not been reported in the literature. This variant is reported in 0.00088% of alleles in individuals of European (Non-Finnish) descent in gnomAD. At this time, the clinical significance of this variant is uncertain due to the absence of conclusive functional and genetic evidence.

Labcorp Genetics (formerly Invitae), Labcorp
Classification: Uncertain significance for Nephronophthisis. Last evaluated: 2023-07-10. Review status: criteria provided, single submitter. Criteria: Invitae Variant Classification Sherloc (09022015). Collection method: clinical testing. Allele origin: germline.
Comment: This variant is present in population databases (rs769587826, gnomAD 0.0009%). This sequence change replaces leucine, which is neutral and non-polar, with phenylalanine, which is neutral and non-polar, at codon 339 of the NPHP4 protein (p.Leu339Phe). This variant has not been reported in the literature in individuals affected with NPHP4-related conditions. ClinVar contains an entry for this variant (Variation ID: 595791). Advanced modeling of protein sequence and biophysical properties (such as structural, functional, and spatial information, amino acid conservation, physicochemical variation, residue mobility, and thermodynamic stability) performed at Invitae indicates that this missense variant is expected to disrupt NPHP4 protein function. In summary, the available evidence is currently insufficient to determine the role of this variant in disease. Therefore, it has been classified as a Variant of Uncertain Significance.

Eurofins Ntd Llc (ga)
Classification: Uncertain significance. Last evaluated: 2018-01-22. Review status: criteria provided, single submitter. Criteria: EGL Classification Definitions 2015. Collection method: clinical testing. Allele origin: germline. Observed: 1 variant allele, 1 heterozygote.

NM_015102.5(NPHP4):c.1017G>C (p.Leu339Phe)

Gene: NPHP4 (nephrocystin 4; minus strand). Cytogenetic location: 1p36.31.
Variant type: single nucleotide variant.
Coding change: c.1017G>C on transcript NM_015102.5 (MANE Select); coding-DNA position 1017, G replaced by C.
Protein change: p.Leu339Phe; replaces leucine 339 with phenylalanine.
Molecular consequence: missense variant. On other transcripts: 5 prime UTR variant (2), non-coding transcript variant (1).
Genome position (GRCh38, 1-based): chr1:5,947,206, C>G on the plus strand (G>C on the coding strand, the complement: NPHP4 is on the minus strand). VCF-style: chr1-5947206-C-G. GRCh37 (hg19) VCF-style: chr1-6007266-C-G.
Other names: c.-350G>C (NM_001291593.2, NM_001291594.2); c.1017G>C (NM_015102.4); short protein forms L339F.
Identifiers: ClinVar variation 595791 (VCV000595791.13), dbSNP rs769587826, ClinGen allele CA554667.